The following is an entry in ClinVar:

ClinVar aggregate classification (germline): Uncertain significance. Review status: criteria provided, multiple submitters, no conflicts (2 of 4 stars). 2 submissions from 2 submitters: Uncertain significance (2). Last evaluated 2022-11-09.

Conditions:
Inborn genetic diseases. Identifiers: MedGen C0950123, MeSH D030342.

Allele frequency attached by ClinVar (database versions not stated): ExAC 0.00001; gnomAD 0.00001; gnomAD exomes 0.00001; TOPMed 0.00003.
gnomAD v4.1: 15 of 1,610,270 alleles (0.00093%); highest among the groups gnomAD compares: African/African-American, 0.008%; no homozygotes.

Submissions (2):

Ambry Genetics
Classification: Uncertain significance for Inborn genetic diseases. Last evaluated: 2022-11-09. Review status: criteria provided, single submitter. Criteria: Ambry Variant Classification Scheme 2023. Collection method: clinical testing. Allele origin: germline.

Labcorp Genetics (formerly Invitae), Labcorp
Classification: Uncertain significance. Last evaluated: 2022-08-09. Review status: criteria provided, single submitter. Criteria: Invitae Variant Classification Sherloc (09022015). Collection method: clinical testing. Allele origin: germline.
Comment: This sequence change replaces asparagine, which is neutral and polar, with serine, which is neutral and polar, at codon 171 of the CD55 protein (p.Asn171Ser). This variant is present in population databases (rs772957291, gnomAD 0.01%). This variant has not been reported in the literature in individuals affected with CD55-related conditions. Algorithms developed to predict the effect of missense changes on protein structure and function are either unavailable or do not agree on the potential impact of this missense change (SIFT: "Tolerated"; PolyPhen-2: "Probably Damaging"; Align-GVGD: "Class C0"). In summary, the available evidence is currently insufficient to determine the role of this variant in disease. Therefore, it has been classified as a Variant of Uncertain Significance.

NM_000574.5(CD55):c.512A>G (p.Asn171Ser)

Gene: CD55 (CD55 molecule (Cromer blood group); plus strand). Cytogenetic location: 1q32.2.
Variant type: single nucleotide variant.
Coding change: c.512A>G on transcript NM_000574.5 (MANE Select); coding-DNA position 512, A replaced by G.
Protein change: p.Asn171Ser; replaces asparagine 171 with serine.
Molecular consequence: missense variant. On other transcripts: non-coding transcript variant (1).
Genome position (GRCh38, 1-based): chr1:207,325,655, A>G. VCF-style: chr1-207325655-A-G. GRCh37 (hg19) VCF-style: chr1-207499000-A-G.
Other names: c.512A>G, p.Asn171Ser (NM_001114752.3, NM_001300902.2, NM_001300903.2 and 1 more transcripts); short protein forms N171S.
Identifiers: ClinVar variation 1953269 (VCV001953269.6), dbSNP rs772957291, ClinGen allele CA1368024.
Genomic context (GRCh38, chr1:207,325,655, plus strand): 5'-AAAAAATCAATTTGTATTCTATTCTAGAGAAATCATGCCCTAATCCGGGAGAAATACGAA[A>G]TGGTCAGATTGATGTACCAGGTGGCATATTATTTGGTGCAACCATCTCCTTCTCATGTAA-3'
Protein context (NP_000565.1, residues 161-181): KSCPNPGEIR[Asn171Ser]GQIDVPGGIL